The following is an entry in ClinVar:

NM_020458.4(TTC7A):c.1583C>T (p.Ala528Val)

Gene: TTC7A (tetratricopeptide repeat domain 7A; plus strand). Cytogenetic location: 2p21.
Variant type: single nucleotide variant.
Coding change: c.1583C>T on transcript NM_020458.4 (MANE Select); coding-DNA position 1583, C replaced by T.
Protein change: p.Ala528Val; replaces alanine 528 with valine.
Molecular consequence: missense variant.
Genome position (GRCh38, 1-based): chr2:47,024,301, C>T. VCF-style: chr2-47024301-C-T. GRCh37 (hg19) VCF-style: chr2-47251440-C-T.
Other names: c.1583C>T, p.Ala528Val (LRG_1323t1, NM_001288951.2); c.1481C>T, p.Ala494Val (NM_001288953.2); c.521C>T, p.Ala174Val (NM_001288955.2); c.1583C>T (NM_020458.2); short protein forms A528V, A174V, A494V.
Identifiers: ClinVar variation 659377 (VCV000659377.10), dbSNP rs745524400, ClinGen allele CA1647756.

ClinVar aggregate classification (germline): Uncertain significance. Review status: criteria provided, multiple submitters, no conflicts (2 of 4 stars). 2 submissions from 2 submitters: Uncertain significance (2). Last evaluated 2025-05-21.

Conditions:
Multiple gastrointestinal atresias. Also called: FAMILIAL INTESTINAL POLYATRESIA SYNDROME; Multiple intestinal atresia. Identifiers: Orphanet 2300, MedGen C0220744, MONDO:0009465.
Inborn genetic diseases. Identifiers: MedGen C0950123, MeSH D030342.

Allele frequency attached by ClinVar (database versions not stated): gnomAD 0.00001; ExAC 0.00002; gnomAD exomes 0.00002; TOPMed 0.00003.
gnomAD v4.1: 77 of 1,606,918 alleles (0.0048%); highest among the groups gnomAD compares: Non-Finnish European, 0.006%; no homozygotes.

Submissions (2):

Ambry Genetics
Classification: Uncertain significance for Inborn genetic diseases. Last evaluated: 2025-05-21. Review status: criteria provided, single submitter. Criteria: Ambry Variant Classification Scheme 2023. Collection method: clinical testing. Allele origin: germline.

Labcorp Genetics (formerly Invitae), Labcorp
Classification: Uncertain significance for Multiple gastrointestinal atresias. Last evaluated: 2024-02-17. Review status: criteria provided, single submitter. Criteria: Invitae Variant Classification Sherloc (09022015). Collection method: clinical testing. Allele origin: germline.
Comment: This sequence change replaces alanine, which is neutral and non-polar, with valine, which is neutral and non-polar, at codon 528 of the TTC7A protein (p.Ala528Val). The frequency data for this variant in the population databases is considered unreliable, as metrics indicate poor data quality at this position in the gnomAD database. This variant has not been reported in the literature in individuals affected with TTC7A-related conditions. ClinVar contains an entry for this variant (Variation ID: 659377). Advanced modeling of protein sequence and biophysical properties (such as structural, functional, and spatial information, amino acid conservation, physicochemical variation, residue mobility, and thermodynamic stability) performed at Invitae indicates that this missense variant is expected to disrupt TTC7A protein function with a positive predictive value of 80%. In summary, the available evidence is currently insufficient to determine the role of this variant in disease. Therefore, it has been classified as a Variant of Uncertain Significance.